The following is an entry in ClinVar:

NM_001330260.2(SCN8A):c.567T>G (p.Phe189Leu)

Gene: SCN8A (sodium voltage-gated channel alpha subunit 8; plus strand). Cytogenetic location: 12q13.13.
Variant type: single nucleotide variant.
Coding change: c.567T>G on transcript NM_001330260.2 (MANE Select); coding-DNA position 567, T replaced by G.
Protein change: p.Phe189Leu; replaces phenylalanine 189 with leucine.
Molecular consequence: missense variant.
Genome position (GRCh38, 1-based): chr12:51,687,172, T>G. VCF-style: chr12-51687172-T-G. GRCh37 (hg19) VCF-style: chr12-52080956-T-G.
Other names: c.567T>G, p.Phe189Leu (NM_001177984.3, NM_001369788.1, NM_014191.4); c.567T>G (NM_014191.3, NM_001330260.1); short protein forms F189L.
Identifiers: ClinVar variation 2760186 (VCV002760186.6), dbSNP rs2540156035, ClinGen allele CA385222574.

ClinVar aggregate classification (germline): Uncertain significance. Review status: criteria provided, multiple submitters, no conflicts (2 of 4 stars). 2 submissions from 2 submitters: Uncertain significance (2). Last evaluated 2026-09-30.

Conditions:
Early-infantile DEE. Also called: Early infantile epileptic encephalopathy; Ohtahara syndrome; Early infantile epileptic encephalopathy with suppression bursts. Identifiers: Orphanet 1934, MedGen C0393706, MONDO:0800491.

Submissions (2):

GeneDx
Classification: Uncertain significance. Last evaluated: 2026-09-30. Review status: criteria provided, single submitter. Criteria: GeneDx Variant Classification Process June 2021. Collection method: clinical testing. Allele origin: germline.
Comment: Not observed at significant frequency in large population cohorts (gnomAD); This substitution is predicted to be within the intracellular loop between the S2 and S3 transmembrane segments of the first homologous domain; In silico analysis supports that this missense variant has a deleterious effect on protein structure/function; Has not been previously published as pathogenic or benign to our knowledge

Labcorp Genetics (formerly Invitae), Labcorp
Classification: Uncertain significance for Early-infantile DEE. Last evaluated: 2024-11-05. Review status: criteria provided, single submitter. Criteria: Invitae Variant Classification Sherloc (09022015). Collection method: clinical testing. Allele origin: germline.
Comment: This sequence change replaces phenylalanine, which is neutral and non-polar, with leucine, which is neutral and non-polar, at codon 189 of the SCN8A protein (p.Phe189Leu). This variant is not present in population databases (gnomAD no frequency). This variant has not been reported in the literature in individuals affected with SCN8A-related conditions. ClinVar contains an entry for this variant (Variation ID: 2760186). Invitae Evidence Modeling of protein sequence and biophysical properties (such as structural, functional, and spatial information, amino acid conservation, physicochemical variation, residue mobility, and thermodynamic stability) indicates that this missense variant is expected to disrupt SCN8A protein function with a positive predictive value of 95%. In summary, the available evidence is currently insufficient to determine the role of this variant in disease. Therefore, it has been classified as a Variant of Uncertain Significance.